The following is an entry in ClinVar:

ClinVar aggregate classification (germline): Uncertain significance (1 of 4 stars; one submission).

Conditions:
Neurofibromatosis, type 1 (NF1). Also called: NEUROFIBROMATOSIS, TYPE I, SOMATIC; Neurofibromatosis, type I; Peripheral type neurofibromatosis; VON RECKLINGHAUSEN DISEASE. Identifiers: Orphanet 636, MedGen C0027831, MONDO:0018975, OMIM 162200. Disease mechanism: loss of function.

Submission:

Labcorp Genetics (formerly Invitae), Labcorp
Classification: Uncertain significance for Neurofibromatosis, type 1. Last evaluated: 2022-09-07. Review status: criteria provided, single submitter. Criteria: Invitae Variant Classification Sherloc (09022015). Collection method: clinical testing. Allele origin: germline.
Comment: This variant is not present in population databases (gnomAD no frequency). This sequence change replaces glycine, which is neutral and non-polar, with alanine, which is neutral and non-polar, at codon 2662 of the NF1 protein (p.Gly2662Ala). This variant has not been reported in the literature in individuals affected with NF1-related conditions. Advanced modeling of protein sequence and biophysical properties (such as structural, functional, and spatial information, amino acid conservation, physicochemical variation, residue mobility, and thermodynamic stability) performed at Invitae indicates that this missense variant is not expected to disrupt NF1 protein function. In summary, the available evidence is currently insufficient to determine the role of this variant in disease. Therefore, it has been classified as a Variant of Uncertain Significance.

NM_001042492.3(NF1):c.8048G>C (p.Gly2683Ala)

Gene: NF1 (neurofibromin 1; plus strand). Cytogenetic location: 17q11.2.
Variant type: single nucleotide variant.
Coding change: c.8048G>C on transcript NM_001042492.3 (MANE Select); coding-DNA position 8048, G replaced by C.
Protein change: p.Gly2683Ala; replaces glycine 2683 with alanine.
Molecular consequence: missense variant.
Genome position (GRCh38, 1-based): chr17:31,358,557, G>C. VCF-style: chr17-31358557-G-C. GRCh37 (hg19) VCF-style: chr17-29685575-G-C.
Other names: c.7985G>C, p.Gly2662Ala (NM_000267.4); short protein forms G2662A, G2683A.
Identifiers: ClinVar variation 2092031 (VCV002092031.4), dbSNP rs2070327151, ClinGen allele CA399203767.